The following is an entry in ClinVar:

ClinVar aggregate classification (germline): Uncertain significance (1 of 4 stars; one submission).

Allele frequency attached by ClinVar (database versions not stated): gnomAD exomes below 0.00001.
gnomAD v4.1: 1 of 1,236,730 alleles (0.000081%); highest among the groups gnomAD compares: Non-Finnish European, 0.0001%; no homozygotes.

Submission:

GeneDx
Classification: Uncertain significance. Last evaluated: 2022-10-18. Review status: criteria provided, single submitter. Criteria: GeneDx Variant Classification Process June 2021. Collection method: clinical testing. Allele origin: germline. Affected: yes.
Comment: Not observed at significant frequency in large population cohorts (gnomAD); In silico analysis supports that this missense variant does not alter protein structure/function; Has not been previously published as pathogenic or benign to our knowledge

NM_001194.4(HCN2):c.2584G>A (p.Asp862Asn)

Gene: HCN2 (hyperpolarization activated cyclic nucleotide gated potassium and sodium channel 2; plus strand). Cytogenetic location: 19p13.3.
Variant type: single nucleotide variant.
Coding change: c.2584G>A on transcript NM_001194.4 (MANE Select); coding-DNA position 2584, G replaced by A.
Protein change: p.Asp862Asn; replaces aspartic acid 862 with asparagine.
Molecular consequence: missense variant.
Genome position (GRCh38, 1-based): chr19:616,388, G>A. VCF-style: chr19-616388-G-A. GRCh37 (hg19) VCF-style: chr19-616388-G-A.
Other names: short protein forms D862N.
Identifiers: ClinVar variation 2499800 (VCV002499800.1), dbSNP rs933505249, ClinGen allele CA303930945.